The following is an entry in ClinVar:

NM_030962.4(SBF2):c.1436G>A (p.Arg479Gln)

Gene: SBF2 (SET binding factor 2; minus strand). Cytogenetic location: 11p15.4.
Variant type: single nucleotide variant.
Coding change: c.1436G>A on transcript NM_030962.4 (MANE Select); coding-DNA position 1436, G replaced by A.
Protein change: p.Arg479Gln; replaces arginine 479 with glutamine.
Molecular consequence: missense variant.
Genome position (GRCh38, 1-based): chr11:9,968,505, C>T on the plus strand (G>A on the coding strand, the complement: SBF2 is on the minus strand). VCF-style: chr11-9968505-C-T. GRCh37 (hg19) VCF-style: chr11-9990052-C-T.
Other names: c.1436G>A, p.Arg479Gln (NM_001386339.1); c.1307G>A, p.Arg436Gln (NM_001386342.1); short protein forms R479Q, R436Q.
Identifiers: ClinVar variation 947830 (VCV000947830.11), dbSNP rs775059182, ClinGen allele CA5881822.

ClinVar aggregate classification (germline): Uncertain significance. Review status: criteria provided, multiple submitters, no conflicts (2 of 4 stars). 3 submissions from 3 submitters: Uncertain significance (3). Last evaluated 2022-02-19.

Conditions:
Inborn genetic diseases. Identifiers: MedGen C0950123, MeSH D030342.
Charcot-Marie-Tooth disease type 4. Also called: Charcot-Marie-Tooth disease, type IV; Charcot-Marie-Tooth, Type 4. Identifiers: Orphanet 64749, MedGen C4082197, MONDO:0018995.

Allele frequency attached by ClinVar (database versions not stated): gnomAD exomes 0.00002 and 0.00003; TOPMed 0.00003; ExAC 0.00004; gnomAD 0.00007.
gnomAD v4.1: 55 of 1,613,914 alleles (0.0034%); highest among the groups gnomAD compares: East Asian, 0.0067%; no homozygotes.

Submissions (3):

Labcorp Genetics (formerly Invitae), Labcorp
Classification: Uncertain significance for Charcot-Marie-Tooth disease type 4. Last evaluated: 2022-02-19. Review status: criteria provided, single submitter. Criteria: Invitae Variant Classification Sherloc (09022015). Collection method: clinical testing. Allele origin: germline.
Comment: This sequence change replaces arginine, which is basic and polar, with glutamine, which is neutral and polar, at codon 479 of the SBF2 protein (p.Arg479Gln). This variant is present in population databases (rs775059182, gnomAD 0.008%). This variant has not been reported in the literature in individuals affected with SBF2-related conditions. ClinVar contains an entry for this variant (Variation ID: 947830). Algorithms developed to predict the effect of missense changes on protein structure and function (SIFT, PolyPhen-2, Align-GVGD) all suggest that this variant is likely to be tolerated. In summary, the available evidence is currently insufficient to determine the role of this variant in disease. Therefore, it has been classified as a Variant of Uncertain Significance.

Ambry Genetics
Classification: Uncertain significance for Inborn genetic diseases. Last evaluated: 2021-02-23. Review status: criteria provided, single submitter. Criteria: Ambry Variant Classification Scheme 2023. Collection method: clinical testing. Allele origin: germline.
Comment: The p.R479Q variant (also known as c.1436G>A), located in coding exon 14 of the SBF2 gene, results from a G to A substitution at nucleotide position 1436. The arginine at codon 479 is replaced by glutamine, an amino acid with highly similar properties. This amino acid position is highly conserved in available vertebrate species. In addition, the in silico prediction for this alteration is inconclusive. Since supporting evidence is limited at this time, the clinical significance of this alteration remains unclear.

Mayo Clinic Laboratories, Mayo Clinic
Classification: Uncertain significance. Last evaluated: 2019-09-08. Review status: criteria provided, single submitter. Criteria: ACMG Guidelines, 2015. Collection method: clinical testing. Allele origin: germline. Observed: 1 variant allele.